The following is an entry in ClinVar:

ClinVar aggregate classification (germline): Uncertain significance (1 of 4 stars; one submission).

Conditions:
Dilated cardiomyopathy 1DD (CMD1DD). Identifiers: Orphanet 154, MedGen C2750995, MONDO:0013168, OMIM 613172.

gnomAD v4.1: 1 of 1,551,564 alleles (0.000064%); highest among the groups gnomAD compares: Non-Finnish European, 0.000087%; no homozygotes.

Submission:

Labcorp Genetics (formerly Invitae), Labcorp
Classification: Uncertain significance for Dilated cardiomyopathy 1DD. Last evaluated: 2024-07-10. Review status: criteria provided, single submitter. Criteria: Invitae Variant Classification Sherloc (09022015). Collection method: clinical testing. Allele origin: germline.
Comment: This sequence change replaces histidine, which is basic and polar, with arginine, which is basic and polar, at codon 436 of the RBM20 protein (p.His436Arg). This variant is not present in population databases (gnomAD no frequency). This variant has not been reported in the literature in individuals affected with RBM20-related conditions. Advanced modeling of protein sequence and biophysical properties (such as structural, functional, and spatial information, amino acid conservation, physicochemical variation, residue mobility, and thermodynamic stability) has been performed at Invitae for this missense variant, however the output from this modeling did not meet the statistical confidence thresholds required to predict the impact of this variant on RBM20 protein function. In summary, the available evidence is currently insufficient to determine the role of this variant in disease. Therefore, it has been classified as a Variant of Uncertain Significance.

NM_001134363.3(RBM20):c.1307A>G (p.His436Arg)

Gene: RBM20 (RNA binding motif protein 20; plus strand). Cytogenetic location: 10q25.2.
Variant type: single nucleotide variant.
Coding change: c.1307A>G on transcript NM_001134363.3 (MANE Select); coding-DNA position 1307, A replaced by G.
Protein change: p.His436Arg; replaces histidine 436 with arginine.
Molecular consequence: missense variant.
Genome position (GRCh38, 1-based): chr10:110,783,397, A>G. VCF-style: chr10-110783397-A-G. GRCh37 (hg19) VCF-style: chr10-112543155-A-G.
Other names: short protein forms H436R.
Identifiers: ClinVar variation 3699194 (VCV003699194.2).